The following is an entry in ClinVar:

NM_024675.4(PALB2):c.7G>A (p.Glu3Lys)

Gene: PALB2 (partner and localizer of BRCA2; minus strand). Cytogenetic location: 16p12.2.
Variant type: single nucleotide variant.
Coding change: c.7G>A on transcript NM_024675.4 (MANE Select); coding-DNA position 7, G replaced by A.
Protein change: p.Glu3Lys; replaces glutamic acid 3 with lysine.
Molecular consequence: missense variant.
Genome position (GRCh38, 1-based): chr16:23,641,151, C>T on the plus strand (G>A on the coding strand, the complement: PALB2 is on the minus strand). VCF-style: chr16-23641151-C-T. GRCh37 (hg19) VCF-style: chr16-23652472-C-T.
Other names: short protein forms E3K.
Identifiers: ClinVar variation 480296 (VCV000480296.17), dbSNP rs878855123, ClinGen allele CA395141243.

ClinVar aggregate classification (germline): Conflicting classifications of pathogenicity. Review status: criteria provided, conflicting classifications (1 of 4 stars). 2 submissions from 2 submitters: Uncertain significance (1); Likely benign (1). Last evaluated 2025-06-03.

Conditions:
Familial cancer of breast. Also called: BREAST CANCER, FAMILIAL; Hereditary breast cancer; hereditary breast carcinoma. Identifiers: Orphanet 227535, MedGen C0346153, MONDO:0016419, OMIM 114480. Disease mechanism: loss of function.
Hereditary cancer-predisposing syndrome. Also called: Hereditary Cancer Syndrome; Neoplastic Syndromes, Hereditary; Tumor predisposition; Hereditary neoplastic syndrome. Identifiers: Orphanet 140162, MedGen C0027672, MeSH D009386, MONDO:0015356.

gnomAD v4.1: 1 of 1,613,054 alleles (0.000062%); no homozygotes.

Submissions (2):

Ambry Genetics
Classification: Likely benign for Hereditary cancer-predisposing syndrome. Last evaluated: 2025-06-03. Review status: criteria provided, single submitter. Criteria: Ambry Variant Classification Scheme 2023. Collection method: clinical testing. Allele origin: germline.

Labcorp Genetics (formerly Invitae), Labcorp
Classification: Uncertain significance for Familial cancer of breast. Last evaluated: 2024-12-24. Review status: criteria provided, single submitter. Criteria: Invitae Variant Classification Sherloc (09022015). Collection method: clinical testing. Allele origin: germline.
Comment: This sequence change replaces glutamic acid, which is acidic and polar, with lysine, which is basic and polar, at codon 3 of the PALB2 protein (p.Glu3Lys). This variant is not present in population databases (gnomAD no frequency). This variant has not been reported in the literature in individuals affected with PALB2-related conditions. ClinVar contains an entry for this variant (Variation ID: 480296). An algorithm developed to predict the effect of missense changes on protein structure and function (PolyPhen-2) suggests that this variant is likely to be disruptive. In summary, the available evidence is currently insufficient to determine the role of this variant in disease. Therefore, it has been classified as a Variant of Uncertain Significance.